The following is an entry in ClinVar:

NM_031935.3(HMCN1):c.5560C>T (p.Pro1854Ser)

Gene: HMCN1 (hemicentin 1; plus strand). Cytogenetic location: 1q31.1.
Variant type: single nucleotide variant.
Coding change: c.5560C>T on transcript NM_031935.3 (MANE Select); coding-DNA position 5560, C replaced by T.
Protein change: p.Pro1854Ser; replaces proline 1854 with serine.
Molecular consequence: missense variant.
Genome position (GRCh38, 1-based): chr1:186,019,630, C>T. VCF-style: chr1-186019630-C-T. GRCh37 (hg19) VCF-style: chr1-185988762-C-T.
Other names: short protein forms P1854S.
Identifiers: ClinVar variation 2419039 (VCV002419039.6), dbSNP rs887993166, ClinGen allele CA33456672.

ClinVar aggregate classification (germline): Uncertain significance (1 of 4 stars; one submission).

Allele frequency attached by ClinVar (database versions not stated): gnomAD 0.00002; TOPMed 0.00002.
gnomAD v4.1: 3 of 1,611,652 alleles (0.00019%); highest among the groups gnomAD compares: African/African-American, 0.004%; no homozygotes.

Submission:

Labcorp Genetics (formerly Invitae), Labcorp
Classification: Uncertain significance. Last evaluated: 2022-10-19. Review status: criteria provided, single submitter. Criteria: Invitae Variant Classification Sherloc (09022015). Collection method: clinical testing. Allele origin: germline.
Comment: In summary, the available evidence is currently insufficient to determine the role of this variant in disease. Therefore, it has been classified as a Variant of Uncertain Significance. Algorithms developed to predict the effect of missense changes on protein structure and function are either unavailable or do not agree on the potential impact of this missense change (SIFT: "Deleterious"; PolyPhen-2: "Probably Damaging"; Align-GVGD: "Class C0"). This variant has not been reported in the literature in individuals affected with HMCN1-related conditions. This variant is present in population databases (no rsID available, gnomAD 0.01%). This sequence change replaces proline, which is neutral and non-polar, with serine, which is neutral and polar, at codon 1854 of the HMCN1 protein (p.Pro1854Ser).